The following is an entry in ClinVar:

ClinVar aggregate classification (germline): Uncertain significance (1 of 4 stars; one submission).

gnomAD v4.1: 6 of 1,613,294 alleles (0.00037%); highest among the groups gnomAD compares: Non-Finnish European, 0.00051%; no homozygotes.

Submission:

GeneDx
Classification: Uncertain significance. Last evaluated: 2025-06-09. Review status: criteria provided, single submitter. Criteria: GeneDx Variant Classification Process June 2021. Collection method: clinical testing. Allele origin: germline. Affected: yes.
Comment: Not observed at significant frequency in large population cohorts (gnomAD); In silico analysis supports that this missense variant has a deleterious effect on protein structure/function; Has not been previously published as pathogenic or benign to our knowledge

NM_001146079.2(CLDN14):c.221C>G (p.Pro74Arg)

Genes: CLDN14 (claudin 14; minus strand), CLDN14-AS1 (CLDN14 antisense RNA 1; plus strand). Cytogenetic location: 21q22.13.
Variant type: single nucleotide variant.
Coding change: c.221C>G on transcript NM_001146079.2 (MANE Select); coding-DNA position 221, C replaced by G.
Protein change: p.Pro74Arg; replaces proline 74 with arginine.
Molecular consequence: missense variant.
Genome position (GRCh38, 1-based): chr21:36,461,475, G>C on the plus strand (C>G on the coding strand, the complement: CLDN14 is on the minus strand). VCF-style: chr21-36461475-G-C. GRCh37 (hg19) VCF-style: chr21-37833773-G-C.
Other names: c.221C>G, p.Pro74Arg (NM_001146077.2, NM_001146078.3, NM_012130.4 and 1 more transcripts); short protein forms P74R.
Identifiers: ClinVar variation 4537949 (VCV004537949.1).